The following is an entry in ClinVar:

ClinVar aggregate classification (germline): Uncertain significance (1 of 4 stars; one submission).

Allele frequency attached by ClinVar (database versions not stated): ExAC 0.00001; gnomAD exomes 0.00002; TOPMed 0.00002; gnomAD 0.00003; ESP Exome Variant Server 0.00008.
gnomAD v4.1: 26 of 1,610,548 alleles (0.0016%); highest among the groups gnomAD compares: Non-Finnish European, 0.0022%; no homozygotes.

Submission:

Labcorp Genetics (formerly Invitae), Labcorp
Classification: Uncertain significance. Last evaluated: 2024-09-23. Review status: criteria provided, single submitter. Criteria: Invitae Variant Classification Sherloc (09022015). Collection method: clinical testing. Allele origin: germline.
Comment: This sequence change falls in intron 6 of the MECR gene. It does not directly change the encoded amino acid sequence of the MECR protein. It affects a nucleotide within the consensus splice site. This variant is present in population databases (rs375704280, gnomAD 0.002%). This variant has not been reported in the literature in individuals affected with MECR-related conditions. ClinVar contains an entry for this variant (Variation ID: 2139243). Variants that disrupt the consensus splice site are a relatively common cause of aberrant splicing (PMID: 17576681, 9536098). Algorithms developed to predict the effect of sequence changes on RNA splicing suggest that this variant is not likely to affect RNA splicing. In summary, the available evidence is currently insufficient to determine the role of this variant in disease. Therefore, it has been classified as a Variant of Uncertain Significance.

Literature cited by the submitters: PubMed 17576681; PubMed 9536098.

NM_016011.5(MECR):c.756+5C>T

Gene: MECR (mitochondrial trans-2-enoyl-CoA reductase; minus strand). Cytogenetic location: 1p35.3.
Variant type: single nucleotide variant.
Coding change: c.756+5C>T on transcript NM_016011.5 (MANE Select); 5 bases into the intron after coding-DNA position 756, C replaced by T.
Molecular consequence: intron variant.
Genome position (GRCh38, 1-based): chr1:29,201,938, G>A on the plus strand (C>T on the coding strand, the complement: MECR is on the minus strand). VCF-style: chr1-29201938-G-A. GRCh37 (hg19) VCF-style: chr1-29528450-G-A.
Other names: c.606+5C>T (NM_001349717.2); c.528+5C>T (NM_001024732.4, NM_001349714.2, NM_001349712.2 and 2 more transcripts); c.840+5C>T (NM_001349716.2); c.861+5C>T (NM_001349715.2).
Identifiers: ClinVar variation 2139243 (VCV002139243.2), dbSNP rs375704280, ClinGen allele CA725719.